The following is an entry in ClinVar:

NM_000179.3(MSH6):c.581C>T (p.Ala194Val)

Gene: MSH6 (mutS homolog 6; plus strand). Cytogenetic location: 2p16.3.
Variant type: single nucleotide variant.
Coding change: c.581C>T on transcript NM_000179.3 (MANE Select); coding-DNA position 581, C replaced by T.
Protein change: p.Ala194Val; replaces alanine 194 with valine.
Molecular consequence: missense variant. On other transcripts: 5 prime UTR variant (1), intron variant (2).
Genome position (GRCh38, 1-based): chr2:47,796,017, C>T. VCF-style: chr2-47796017-C-T. GRCh37 (hg19) VCF-style: chr2-48023156-C-T.
Other names: c.-322C>T (NM_001281494.2); c.-279-2594C>T (NM_001281493.2); c.238-2594C>T (NM_001281492.2); short protein forms A194V.
Identifiers: ClinVar variation 1692266 (VCV001692266.6), dbSNP rs1558656693, ClinGen allele CA346738814.

ClinVar aggregate classification (germline): Uncertain significance. Review status: criteria provided, multiple submitters, no conflicts (2 of 4 stars). 3 submissions from 3 submitters: Uncertain significance (3). Last evaluated 2023-10-22.

Conditions:
Hereditary nonpolyposis colorectal neoplasms. Identifiers: MedGen C0009405, MeSH D003123.
Hereditary cancer-predisposing syndrome. Also called: Hereditary Cancer Syndrome; Hereditary neoplastic syndrome; Neoplastic Syndromes, Hereditary; Tumor predisposition. Identifiers: Orphanet 140162, MedGen C0027672, MeSH D009386, MONDO:0015356.

Submissions (3):

Labcorp Genetics (formerly Invitae), Labcorp
Classification: Uncertain significance for Hereditary nonpolyposis colorectal neoplasms. Last evaluated: 2023-10-22. Review status: criteria provided, single submitter. Criteria: Invitae Variant Classification Sherloc (09022015). Collection method: clinical testing. Allele origin: germline.
Comment: This sequence change replaces alanine, which is neutral and non-polar, with valine, which is neutral and non-polar, at codon 194 of the MSH6 protein (p.Ala194Val). This variant is not present in population databases (gnomAD no frequency). This variant has not been reported in the literature in individuals affected with MSH6-related conditions. ClinVar contains an entry for this variant (Variation ID: 1692266). Advanced modeling of protein sequence and biophysical properties (such as structural, functional, and spatial information, amino acid conservation, physicochemical variation, residue mobility, and thermodynamic stability) performed at Invitae indicates that this missense variant is not expected to disrupt MSH6 protein function. In summary, the available evidence is currently insufficient to determine the role of this variant in disease. Therefore, it has been classified as a Variant of Uncertain Significance.

Ambry Genetics
Classification: Uncertain significance for Hereditary cancer-predisposing syndrome. Last evaluated: 2022-02-22. Review status: criteria provided, single submitter. Criteria: Ambry Variant Classification Scheme 2023. Collection method: clinical testing. Allele origin: germline.
Comment: The p.A194V variant (also known as c.581C>T), located in coding exon 3 of the MSH6 gene, results from a C to T substitution at nucleotide position 581. The alanine at codon 194 is replaced by valine, an amino acid with similar properties. This amino acid position is well conserved in available vertebrate species. In addition, the in silico prediction for this alteration is inconclusive. Since supporting evidence is limited at this time, the clinical significance of this alteration remains unclear.

Sema4
Classification: Uncertain significance for Hereditary cancer-predisposing syndrome. Last evaluated: 2022-02-01. Review status: criteria provided, single submitter. Criteria: Sema4 Curation Guidelines. Collection method: curation. Allele origin: germline.
Comment: To the best of our knowledge, the MSH6 c.581C>T (p.A194V) variant has not been reported in individuals with MSH6-related disease. It was not observed in the large and broad cohorts of the Genome Aggregation Database (PMID: 32461654). The variant has not been reported in ClinVar. Functional studies have not been performed, and in silico predictions of the variant's effect on protein function are inconclusive. The evidence is insufficient to meet ACMG/AMP criteria for classifying the variant as benign or pathogenic. Thus, the clinical significance of this variant is currently uncertain.